The following is an entry in ClinVar:

ClinVar aggregate classification (germline): Uncertain significance. Review status: criteria provided, multiple submitters, no conflicts (2 of 4 stars). 2 submissions from 2 submitters: Uncertain significance (2). Last evaluated 2025-02-14.

Conditions:
Hereditary cancer-predisposing syndrome. Also called: Tumor predisposition; Hereditary neoplastic syndrome; Neoplastic Syndromes, Hereditary; Hereditary Cancer Syndrome. Identifiers: Orphanet 140162, MedGen C0027672, MeSH D009386, MONDO:0015356.
Bloom syndrome (BLM). Also called: Bloom-Torre-Machacek syndrome. Identifiers: Orphanet 125, MedGen C0005859, MONDO:0008876, OMIM 210900.

Allele frequency attached by ClinVar (database versions not stated): ExAC 0.00001.

Submissions (2):

Ambry Genetics
Classification: Uncertain significance for Hereditary cancer-predisposing syndrome. Last evaluated: 2025-02-14. Review status: criteria provided, single submitter. Criteria: Ambry Variant Classification Scheme 2023. Collection method: clinical testing. Allele origin: germline.
Comment: The p.S314F variant (also known as c.941C>T), located in coding exon 3 of the BLM gene, results from a C to T substitution at nucleotide position 941. The serine at codon 314 is replaced by phenylalanine, an amino acid with highly dissimilar properties. This amino acid position is conserved. In addition, this alteration is predicted to be tolerated by in silico analysis. Based on the available evidence, the clinical significance of this variant remains unclear.

Labcorp Genetics (formerly Invitae), Labcorp
Classification: Uncertain significance for Bloom syndrome. Last evaluated: 2024-06-17. Review status: criteria provided, single submitter. Criteria: Invitae Variant Classification Sherloc (09022015). Collection method: clinical testing. Allele origin: germline.
Comment: This sequence change replaces serine, which is neutral and polar, with phenylalanine, which is neutral and non-polar, at codon 314 of the BLM protein (p.Ser314Phe). This variant is present in population databases (rs751438275, gnomAD 0.01%). This variant has not been reported in the literature in individuals affected with BLM-related conditions. ClinVar contains an entry for this variant (Variation ID: 2202199). Advanced modeling of protein sequence and biophysical properties (such as structural, functional, and spatial information, amino acid conservation, physicochemical variation, residue mobility, and thermodynamic stability) performed at Invitae indicates that this missense variant is not expected to disrupt BLM protein function with a negative predictive value of 80%. In summary, the available evidence is currently insufficient to determine the role of this variant in disease. Therefore, it has been classified as a Variant of Uncertain Significance.

NM_000057.4(BLM):c.941C>T (p.Ser314Phe)

Gene: BLM (BLM RecQ like helicase; plus strand). Cytogenetic location: 15q26.1.
Variant type: single nucleotide variant.
Coding change: c.941C>T on transcript NM_000057.4 (MANE Select); coding-DNA position 941, C replaced by T.
Protein change: p.Ser314Phe; replaces serine 314 with phenylalanine.
Molecular consequence: missense variant. On other transcripts: 5 prime UTR variant (1).
Genome position (GRCh38, 1-based): chr15:90,751,928, C>T. VCF-style: chr15-90751928-C-T. GRCh37 (hg19) VCF-style: chr15-91295158-C-T.
Other names: c.941C>T, p.Ser314Phe (NM_001287246.2, NM_001287247.2); c.-351C>T (NM_001287248.2); short protein forms S314F.
Identifiers: ClinVar variation 2202199 (VCV002202199.4), dbSNP rs751438275, ClinGen allele CA7738394.